The following is an entry in ClinVar:

ClinVar aggregate classification (germline): Uncertain significance (1 of 4 stars; one submission).

Conditions:
POLD1-related polyposis and colorectal cancer syndrome (CRCS10). Also called: Colorectal cancer 10; COLORECTAL CANCER, SUSCEPTIBILITY TO, ON CHROMOSOME 19q; Colorectal cancer, susceptibility to, 10. Identifiers: Orphanet 220460, MedGen C2675481, MONDO:0012953, OMIM 612591.

Submission:

Labcorp Genetics (formerly Invitae), Labcorp
Classification: Uncertain significance for POLD1-related polyposis and colorectal cancer syndrome. Last evaluated: 2023-10-19. Review status: criteria provided, single submitter. Criteria: Invitae Variant Classification Sherloc (09022015). Collection method: clinical testing. Allele origin: germline.
Comment: This sequence change creates a premature translational stop signal (p.Leu802Cysfs*86) in the POLD1 gene. It is expected to result in an absent or disrupted protein product. However, the current clinical and genetic evidence is not sufficient to establish whether loss-of-function variants in POLD1 cause disease. This variant is not present in population databases (gnomAD no frequency). This variant has not been reported in the literature in individuals affected with POLD1-related conditions. ClinVar contains an entry for this variant (Variation ID: 2034878). In summary, the available evidence is currently insufficient to determine the role of this variant in disease. Therefore, it has been classified as a Variant of Uncertain Significance.

NM_002691.4(POLD1):c.2404del (p.Leu802fs)

Gene: POLD1 (DNA polymerase delta 1, catalytic subunit; plus strand). Cytogenetic location: 19q13.33.
Variant type: Deletion.
Coding change: c.2404del on transcript NM_002691.4 (MANE Select); coding-DNA position 2404, one base deleted (C; older notation c.2404delC).
Protein change: p.Leu802fs; shifts the reading frame from leucine 802.
Molecular consequence: frameshift variant. On other transcripts: non-coding transcript variant (1).
Genome position (GRCh38, 1-based): chr19:50,414,830, C deleted; the last of 2 consecutive C bases (chr19:50,414,829-50,414,830); deleting either gives the same sequence. VCF-style (leftmost placement, unchanged base first): chr19-50414828-AC-A. GRCh37 (hg19) VCF-style: chr19-50918085-AC-A.
Other names: c.2404del, p.Leu802fs (NM_001256849.1); c.2482del, p.Leu828fs (NM_001308632.1); short protein forms L828fs, L802fs.
Identifiers: ClinVar variation 2034878 (VCV002034878.4), dbSNP rs2514047026, ClinGen allele CA2580097732.